The following is an entry in ClinVar:

ClinVar aggregate classification (germline): Uncertain significance (1 of 4 stars; one submission).

Submission:

CeGaT Center for Human Genetics Tuebingen
Classification: Uncertain significance. Last evaluated: 2026-05-01. Review status: criteria provided, single submitter. Criteria: CeGaT Center For Human Genetics Tuebingen Variant Classification Criteria Version 2. Collection method: clinical testing. Allele origin: germline. Affected: yes. Observed: 1 variant allele.
Comment: MAGEL2: PM2

NM_019066.5(MAGEL2):c.778G>A (p.Val260Ile)

Gene: MAGEL2 (MAGE family member L2; minus strand). Cytogenetic location: 15q11.2.
Variant type: single nucleotide variant.
Coding change: c.778G>A on transcript NM_019066.5 (MANE Select); coding-DNA position 778, G replaced by A.
Protein change: p.Val260Ile; replaces valine 260 with isoleucine.
Molecular consequence: missense variant.
Genome position (GRCh38, 1-based): chr15:23,646,965, C>T on the plus strand (G>A on the coding strand, the complement: MAGEL2 is on the minus strand). VCF-style: chr15-23646965-C-T. GRCh37 (hg19) VCF-style: chr15-23892112-C-T.
Other names: short protein forms V260I.
Identifiers: ClinVar variation 4874939 (VCV004874939.2).